The following is an entry in ClinVar:

NM_000507.4(FBP1):c.670G>A (p.Val224Ile)

Gene: FBP1 (fructose-bisphosphatase 1; minus strand). Cytogenetic location: 9q22.32.
Variant type: single nucleotide variant.
Coding change: c.670G>A on transcript NM_000507.4 (MANE Select); coding-DNA position 670, G replaced by A.
Protein change: p.Val224Ile; replaces valine 224 with isoleucine.
Molecular consequence: missense variant.
Genome position (GRCh38, 1-based): chr9:94,606,850, C>T on the plus strand (G>A on the coding strand, the complement: FBP1 is on the minus strand). VCF-style: chr9-94606850-C-T. GRCh37 (hg19) VCF-style: chr9-97369132-C-T.
Other names: p.V224I:GTC>ATC; c.670G>A, p.Val224Ile (NM_001127628.2); short protein forms V224I.
Identifiers: ClinVar variation 214359 (VCV000214359.14), dbSNP rs140222720, ClinGen allele CA323535.

ClinVar aggregate classification (germline): Conflicting classifications of pathogenicity. Review status: criteria provided, conflicting classifications (1 of 4 stars). 3 submissions from 3 submitters: Uncertain significance (1); Likely benign (2). Last evaluated 2025-11-27.

Conditions:
Fructose-biphosphatase deficiency (FBP1D). Also called: Fructose-1,6-Bisphosphatase 1 Deficiency; Fructose 1,6 Bisphosphatase Deficiency; Fructose-1,6-Diphosphatase Deficiency. Identifiers: Orphanet 348, MedGen C0016756, MONDO:0009251, OMIM 229700.

Allele frequency attached by ClinVar (database versions not stated): TOPMed 0.00032; gnomAD exomes 0.00042 and 0.00057; 1000 Genomes Project 0.00040; ESP Exome Variant Server 0.00092; 1000 Genomes Project 30x 0.00047; gnomAD 0.00040; ExAC 0.00054.
gnomAD v4.1: 883 of 1,613,964 alleles (0.055%); highest among the groups gnomAD compares: Non-Finnish European, 0.07%; 1 homozygote.

Submissions (3):

Labcorp Genetics (formerly Invitae), Labcorp
Classification: Likely benign for Fructose-biphosphatase deficiency. Last evaluated: 2025-11-27. Review status: criteria provided, single submitter. Criteria: Invitae Variant Classification Sherloc (09022015). Collection method: clinical testing. Allele origin: germline.

Illumina Laboratory Services, Illumina
Classification: Uncertain significance for Fructose-biphosphatase deficiency. Last evaluated: 2018-01-12. Review status: criteria provided, single submitter. Criteria: ICSL Variant Classification Criteria 13 December 2019. Collection method: clinical testing. Allele origin: germline.

GeneDx
Classification: Likely benign. Last evaluated: 2014-05-02. Review status: criteria provided, single submitter. Criteria: GeneDx Variant Classification (06012015). Collection method: clinical testing. Allele origin: germline. Affected: yes.
Comment: This variant is considered likely benign or benign based on one or more of the following criteria: it is a conservative change, it occurs at a poorly conserved position in the protein, it is predicted to be benign by multiple in silico algorithms, and/or has population frequency not consistent with disease.